The following is an entry in ClinVar:

ClinVar aggregate classification (germline): Uncertain significance. Review status: criteria provided, single submitter (1 of 4 stars). 2 submissions from 2 submitters: Uncertain significance (1). 1 of the submissions does not count toward it. Last evaluated 2023-08-08.

Conditions:
Deficiency of iodide peroxidase (TDH2A). Also called: HYPOTHYROIDISM, CONGENITAL, DUE TO DYSHORMONOGENESIS, 2A; IODIDE PEROXIDASE DEFICIENCY; Thyroid dyshormonogenesis 2A; THYROID HORMONOGENESIS, GENETIC DEFECT IN, 2A; THYROID PEROXIDASE DEFICIENCY. Identifiers: Orphanet 95716, MedGen C1291299, MONDO:0010133, OMIM 274500.

Allele frequency attached by ClinVar (database versions not stated): TOPMed below 0.00001; gnomAD 0.00001; gnomAD exomes 0.00001; ExAC 0.00002.
gnomAD v4.1: 18 of 1,613,870 alleles (0.0011%); highest among the groups gnomAD compares: Non-Finnish European, 0.0014%; no homozygotes.

Submissions (2):

Women's Health and Genetics/Laboratory Corporation of America, LabCorp
Classification: Uncertain significance. Last evaluated: 2023-08-08. Review status: criteria provided, single submitter. Criteria: LabCorp Variant Classification Summary - May 2015. Collection method: clinical testing. Allele origin: germline.
Comment: Variant summary: TPO c.2077C>T (p.Arg693Trp) results in a non-conservative amino acid change in the encoded protein sequence. Five of five in-silico tools predict a damaging effect of the variant on protein function. The variant allele was found at a frequency of 8e-06 in 251222 control chromosomes. The available data on variant occurrences in the general population are insufficient to allow any conclusion about variant significance. c.2077C>T has been reported in the literature in individuals affected with congenital hypothyroidism (Wang_2020, Bakker_2000) without strong evidence for causality. These reports do not provide unequivocal conclusions about association of the variant with Deficiency Of Iodide Peroxidase. To our knowledge, no experimental evidence demonstrating an impact on protein function has been reported. The following publications have been ascertained in the context of this evaluation (PMID: 11061528, 32425884). No submitters have cited clinical-significance assessments for this variant to ClinVar after 2014. Based on the evidence outlined above, the variant was classified as uncertain significance.

OMIM
Classification: Pathogenic for THYROID DYSHORMONOGENESIS 2A. Last evaluated: 2003-07-01. Review status: no assertion criteria provided. Collection method: literature only. Allele origin: germline. Not counted in ClinVar's aggregate classification.

Literature cited by the submitters: PubMed 32425884 (cited by Women's Health and Genetics/Laboratory Corporation of America, LabCorp); PubMed 11061528 (cited by Women's Health and Genetics/Laboratory Corporation of America, LabCorp and OMIM); PubMed 12843174 (cited by OMIM).

NM_001206744.2(TPO):c.2077C>T (p.Arg693Trp)

Genes: LALTOP (lung cancer associated lncRNA targeting TOP2A; minus strand), TPO (thyroid peroxidase; plus strand). Cytogenetic location: 2p25.3.
Variant type: single nucleotide variant.
Coding change: c.2077C>T on transcript NM_001206744.2 (MANE Select); coding-DNA position 2077, C replaced by T.
Protein change: p.Arg693Trp; replaces arginine 693 with tryptophan.
Molecular consequence: missense variant.
Genome position (GRCh38, 1-based): chr2:1,496,059, C>T. VCF-style: chr2-1496059-C-T. GRCh37 (hg19) VCF-style: chr2-1499831-C-T.
Other names: c.2077C>T (NM_000547.5); c.2077C>T, p.Arg693Trp (NM_000547.6, NM_175721.3); c.1906C>T, p.Arg636Trp (NM_001206745.2, NM_175719.4); c.1558C>T, p.Arg520Trp (NM_175722.3); short protein forms R693W, R520W, R636W.
Identifiers: ClinVar variation 4051 (VCV000004051.2), dbSNP rs121908087, ClinGen allele CA116634.